The following is an entry in ClinVar:

NM_006393.3(NEBL):c.2266C>T (p.Gln756Ter)

Gene: NEBL (nebulette; minus strand). Cytogenetic location: 10p12.31.
Variant type: single nucleotide variant.
Coding change: c.2266C>T on transcript NM_006393.3 (MANE Select); coding-DNA position 2266, C replaced by T.
Protein change: p.Gln756Ter; replaces glutamine 756 with a stop codon.
Molecular consequence: nonsense. On other transcripts: intron variant (9).
Genome position (GRCh38, 1-based): chr10:20,814,019, G>A on the plus strand (C>T on the coding strand, the complement: NEBL is on the minus strand). VCF-style: chr10-20814019-G-A. GRCh37 (hg19) VCF-style: chr10-21102948-G-A.
Other names: c.250-1079C>T (NM_001377326.1, NM_001377327.1, NM_001377328.1); c.358-1079C>T (NM_213569.2, NM_001173484.2, NM_001377322.1); c.301-1079C>T (NM_001377324.1); c.292-1079C>T (NM_001377325.1); c.310-1079C>T (NM_001377323.1); short protein forms Q756*.
Identifiers: ClinVar variation 1896617 (VCV001896617.5), dbSNP rs371553787, ClinGen allele CA5432538.
Genomic context (GRCh38, chr10:20,814,019, plus strand): 5'-CTTCTTTAACATGTCTCATAGCAGGTGTATCTAAAATCAGACTTGGTCTACCTTTCATCT[G>A]TTTATGGTCCTGGGTATATTTTACCTGCAAAGTAAATAGTAGGCATAAGACAATGATAAG-3'

ClinVar aggregate classification (germline): Uncertain significance (1 of 4 stars; one submission).

Conditions:
Primary dilated cardiomyopathy (DCM). Also called: Dilated Cardiomyopathy. Identifiers: Orphanet 217604, MedGen C0007193, MeSH D002311, MONDO:0005021, HP:0001644. Inheritance: Various modes of inheritance.

Allele frequency attached by ClinVar (database versions not stated): ExAC 0.00001; TOPMed 0.00001; ESP Exome Variant Server 0.00008.

Submission:

Labcorp Genetics (formerly Invitae), Labcorp
Classification: Uncertain significance for Primary dilated cardiomyopathy. Last evaluated: 2022-04-03. Review status: criteria provided, single submitter. Criteria: Invitae Variant Classification Sherloc (09022015). Collection method: clinical testing. Allele origin: germline.
Comment: This variant has not been reported in the literature in individuals affected with NEBL-related conditions. In summary, the available evidence is currently insufficient to determine the role of this variant in disease. Therefore, it has been classified as a Variant of Uncertain Significance. Algorithms developed to predict the effect of sequence changes on RNA splicing suggest that this variant may disrupt the consensus splice site. This variant is present in population databases (rs371553787, gnomAD 0.007%). This sequence change creates a premature translational stop signal (p.Gln756*) in the NEBL gene. It is expected to result in an absent or disrupted protein product. However, the current clinical and genetic evidence is not sufficient to establish whether loss-of-function variants in NEBL cause disease.